The following is an entry in ClinVar:

ClinVar aggregate classification (germline): Likely benign (1 of 4 stars; one submission).

Allele frequency attached by ClinVar (database versions not stated): 1000 Genomes Project 0.00220; 1000 Genomes Project 30x 0.00250; ESP Exome Variant Server 0.00263; gnomAD 0.00322; ExAC 0.00359; TOPMed 0.00379.
gnomAD v4.1: 1,620 of 530,664 alleles (0.31%); highest among the groups gnomAD compares: Middle Eastern, 1.9%; 7 homozygotes.

Submission:

CeGaT Center for Human Genetics Tuebingen
Classification: Likely benign. Last evaluated: 2022-11-01. Review status: criteria provided, single submitter. Criteria: CeGaT Center For Human Genetics Tuebingen Variant Classification Criteria Version 2. Collection method: clinical testing. Allele origin: germline. Affected: yes. Observed: 1 variant allele.
Comment: ADARB1: BS2

NM_001112.4(ADARB1):c.-48+6170C>G

Gene: ADARB1 (adenosine deaminase RNA specific B1; plus strand). Cytogenetic location: 21q22.3.
Variant type: single nucleotide variant.
Coding change: c.-48+6170C>G on transcript NM_001112.4 (MANE Select); 6170 bases into the intron after 48 bases upstream of the start codon, C replaced by G.
Molecular consequence: intron variant. On other transcripts: non-coding transcript variant (1).
Genome position (GRCh38, 1-based): chr21:45,134,743, C>G. VCF-style: chr21-45134743-C-G. GRCh37 (hg19) VCF-style: chr21-46554658-C-G.
Other names: c.-48+6170C>G (NM_015833.4, NM_015834.4, NM_001160230.2 and 1 more transcripts).
Identifiers: ClinVar variation 2652783 (VCV002652783.24), dbSNP rs144000111, ClinGen allele CA10063978.